The following is an entry in ClinVar:

ClinVar aggregate classification (germline): Benign. Review status: criteria provided, single submitter (1 of 4 stars). 2 submissions from 2 submitters: Benign (1). 1 of the submissions does not count toward it. Last evaluated 2014-07-25.

Conditions:
KCNE3-related disorder. Also called: KCNE3-related condition.

Allele frequency attached by ClinVar (database versions not stated): 1000 Genomes Project 0.00080; gnomAD 0.00100 and 0.00106; TOPMed 0.00130; 1000 Genomes Project 30x 0.00141.

Submissions (2):

GeneDx
Classification: Benign. Last evaluated: 2014-07-25. Review status: criteria provided, single submitter. Criteria: GeneDx Variant Classification (06012015). Collection method: clinical testing. Allele origin: germline. Affected: yes.
Comment: This variant is considered likely benign or benign based on one or more of the following criteria: it is a conservative change, it occurs at a poorly conserved position in the protein, it is predicted to be benign by multiple in silico algorithms, and/or has population frequency not consistent with disease.

PreventionGenetics, part of Exact Sciences
Classification: Likely benign for KCNE3-related condition. Last evaluated: 2021-11-18. Review status: no assertion criteria provided. Collection method: clinical testing. Allele origin: germline. Not counted in ClinVar's aggregate classification.
Comment: This variant is classified as likely benign based on ACMG/AMP sequence variant interpretation guidelines (Richards et al. 2015 PMID: 25741868, with internal and published modifications).

NM_005472.5(KCNE3):c.-190+18C>T

Gene: KCNE3 (potassium voltage-gated channel subfamily E regulatory subunit 3; minus strand). Cytogenetic location: 11q13.4.
Variant type: single nucleotide variant.
Coding change: c.-190+18C>T on transcript NM_005472.5 (MANE Select); 18 bases into the intron after 190 bases upstream of the start codon, C replaced by T.
Molecular consequence: intron variant.
Genome position (GRCh38, 1-based): chr11:74,467,380, G>A on the plus strand (C>T on the coding strand, the complement: KCNE3 is on the minus strand). VCF-style: chr11-74467380-G-A. GRCh37 (hg19) VCF-style: chr11-74178425-G-A.
Identifiers: ClinVar variation 190799 (VCV000190799.3), dbSNP rs547401786, ClinGen allele CA301995.